The following is an entry in ClinVar:

NM_001387430.1(SH2B1):c.70C>T (p.Pro24Ser)

Gene: SH2B1 (SH2B adaptor protein 1; plus strand). Cytogenetic location: 16p11.2.
Variant type: single nucleotide variant.
Coding change: c.70C>T on transcript NM_001387430.1 (MANE Select); coding-DNA position 70, C replaced by T.
Protein change: p.Pro24Ser; replaces proline 24 with serine.
Molecular consequence: missense variant. On other transcripts: intron variant (1).
Genome position (GRCh38, 1-based): chr16:28,866,164, C>T. VCF-style: chr16-28866164-C-T. GRCh37 (hg19) VCF-style: chr16-28877485-C-T.
Other names: c.70C>T, p.Pro24Ser (NM_001145795.2, NM_001145796.2, NM_001145797.2 and 4 more transcripts); c.-26-1210C>T (NM_001308294.2); short protein forms P24S.
Identifiers: ClinVar variation 4995292 (VCV004995292.1).

ClinVar aggregate classification (germline): Uncertain significance (1 of 4 stars; one submission).

Conditions:
SH2B1-related disorder. Also called: SH2B1-related condition.

Submission:

PreventionGenetics, part of Exact Sciences
Classification: Uncertain significance for SH2B1-related condition. Last evaluated: 2025-09-18. Review status: criteria provided, single submitter. Criteria: ACMG Guidelines, 2015. Collection method: clinical testing. Allele origin: germline.
Comment: The SH2B1 c.70C>T variant is predicted to result in the amino acid substitution p.Pro24Ser. To our knowledge, this variant has not been reported in the literature or in a large population database (gnomAD), indicating this variant is rare. At this time, the clinical significance of this variant is uncertain due to the absence of conclusive functional and genetic evidence.